The following is an entry in ClinVar:

ClinVar aggregate classification (germline): Conflicting classifications of pathogenicity. Review status: criteria provided, conflicting classifications (1 of 4 stars). 4 submissions from 4 submitters: Uncertain significance (3); Likely benign (1). Last evaluated 2026-02-01.

Conditions:
KIF1A-related disorder. Also called: KIF1A-related disorders; KIF1A-related condition.
Hereditary spastic paraplegia 30. Identifiers: Orphanet 101010, MedGen C5235139, MONDO:0012476.
Neuropathy, hereditary sensory, type 2C. Also called: Hereditary sensory and autonomic neuropathy type IIC; KIF1A-Related HSAN2 (HSAN2C). Identifiers: Orphanet 970, MedGen C3280168, MONDO:0013634, OMIM 614213.
Intellectual disability, autosomal dominant 9 (NESCAVS). Also called: NESCAV SYNDROME; KIF1A-Related Neurodevelopmental Disorder. Identifiers: Orphanet 662367, MedGen C5393830, MONDO:0013656, OMIM 614255.
Inborn genetic diseases. Identifiers: MedGen C0950123, MeSH D030342.

Allele frequency attached by ClinVar (database versions not stated): gnomAD 0.00001; ESP Exome Variant Server 0.00008.
gnomAD v4.1: 7 of 1,613,716 alleles (0.00043%); highest among the groups gnomAD compares: Non-Finnish European, 0.00059%; no homozygotes.

Submissions (4):

Labcorp Genetics (formerly Invitae), Labcorp
Classification: Likely benign for Hereditary spastic paraplegia 30; Neuropathy, hereditary sensory, type 2C; Intellectual disability, autosomal dominant 9. Last evaluated: 2026-02-01. Review status: criteria provided, single submitter. Criteria: Invitae Variant Classification Sherloc (09022015). Collection method: clinical testing. Allele origin: germline.

PreventionGenetics, part of Exact Sciences
Classification: Uncertain significance for KIF1A-related condition. Last evaluated: 2023-01-22. Review status: criteria provided, single submitter. Criteria: ACMG Guidelines, 2015. Collection method: clinical testing. Allele origin: germline.
Comment: The KIF1A c.2646C>A variant is predicted to result in the amino acid substitution p.Phe882Leu. To our knowledge, this variant has not been reported in the literature. This variant is reported in 0.0018% of alleles in individuals of European (Non-Finnish) descent in gnomAD. At this time, the clinical significance of this variant is uncertain due to the absence of conclusive functional and genetic evidence.

Blueprint Genetics
Classification: Uncertain significance. Last evaluated: 2022-06-07. Review status: criteria provided, single submitter. Criteria: ACMG Guidelines, 2015. Collection method: clinical testing. Allele origin: germline.

Ambry Genetics
Classification: Uncertain significance for Inborn genetic diseases. Last evaluated: 2020-08-13. Review status: criteria provided, single submitter. Criteria: Ambry Variant Classification Scheme 2023. Collection method: clinical testing. Allele origin: germline.
Comment: The p.F983L variant (also known as c.2949C>A), located in coding exon 27 of the KIF1A gene, results from a C to A substitution at nucleotide position 2949. The phenylalanine at codon 983 is replaced by leucine, an amino acid with highly similar properties. This amino acid position is highly conserved in available vertebrate species. In addition, the in silico prediction for this alteration is inconclusive. Since supporting evidence is limited at this time, the clinical significance of this alteration remains unclear.

NM_001244008.2(KIF1A):c.2949C>A (p.Phe983Leu)

Gene: KIF1A (kinesin family member 1A; minus strand). Cytogenetic location: 2q37.3.
Variant type: single nucleotide variant.
Coding change: c.2949C>A on transcript NM_001244008.2 (MANE Select); coding-DNA position 2949, C replaced by A.
Protein change: p.Phe983Leu; replaces phenylalanine 983 with leucine.
Molecular consequence: missense variant.
Genome position (GRCh38, 1-based): chr2:240,750,457, G>T on the plus strand (C>A on the coding strand, the complement: KIF1A is on the minus strand). VCF-style: chr2-240750457-G-T. GRCh37 (hg19) VCF-style: chr2-241689874-G-T.
Other names: c.2673C>A, p.Phe891Leu (NM_001320705.2, NM_001330289.2, NM_001379638.1); c.2748C>A, p.Phe916Leu (NM_001330290.2, NM_001379634.1, NM_001379635.1 and 1 more transcripts); c.3024C>A, p.Phe1008Leu (NM_001379631.1); c.2898C>A, p.Phe966Leu (NM_001379632.1); c.2922C>A, p.Phe974Leu (NM_001379633.1, NM_001379642.1, NM_001379645.1); c.2646C>A, p.Phe882Leu (NM_001379636.1, NM_001379639.1, NM_001379640.1 and 7 more transcripts); c.2721C>A, p.Phe907Leu (NM_001379637.1, NM_001379648.1); short protein forms F974L, F907L, F966L, F882L, F916L, F983L, F1008L, F891L.
Identifiers: ClinVar variation 1798000 (VCV001798000.7), dbSNP rs375672100, ClinGen allele CA2207977.